The following is an entry in ClinVar:

ClinVar aggregate classification (germline): Likely benign (1 of 4 stars; one submission).

Conditions:
MCM9-related disorder. Also called: MCM9-related condition.

gnomAD v4.1: 124 of 1,614,188 alleles (0.0077%); highest among the groups gnomAD compares: South Asian, 0.078%; 2 homozygotes.

Submission:

PreventionGenetics, part of Exact Sciences
Classification: Likely benign for MCM9-related condition. Last evaluated: 2026-07-28. Review status: criteria provided, single submitter. Criteria: ACMG Guidelines, 2015. Collection method: clinical testing. Allele origin: germline.
Comment: This variant is classified as likely benign based on ACMG/AMP sequence variant interpretation guidelines (Richards et al. 2015 PMID: 25741868, with internal and published modifications).

NM_017696.3(MCM9):c.360G>A (p.Val120=)

Gene: MCM9 (minichromosome maintenance 9 homologous recombination repair factor; minus strand). Cytogenetic location: 6q22.31.
Variant type: single nucleotide variant.
Coding change: c.360G>A on transcript NM_017696.3 (MANE Select); coding-DNA position 360, G replaced by A.
Protein change: p.Val120=; no amino-acid change (valine 120 retained).
Molecular consequence: synonymous variant. On other transcripts: non-coding transcript variant (2).
Genome position (GRCh38, 1-based): chr6:118,924,072, C>T on the plus strand (G>A on the coding strand, the complement: MCM9 is on the minus strand). VCF-style: chr6-118924072-C-T. GRCh37 (hg19) VCF-style: chr6-119245237-C-T.
Other names: c.360G>A, p.Val120= (NM_001378356.1, NM_001378357.1, NM_001378358.1 and 9 more transcripts); c.162G>A, p.Val54= (NM_001378361.1, NM_001378362.1, NM_001378363.1 and 3 more transcripts).
Identifiers: ClinVar variation 4980756 (VCV004980756.1).